The following is an entry in ClinVar:

NM_006031.6(PCNT):c.957C>T (p.Leu319=)

Gene: PCNT (pericentrin; plus strand). Cytogenetic location: 21q22.3.
Variant type: single nucleotide variant.
Coding change: c.957C>T on transcript NM_006031.6 (MANE Select); coding-DNA position 957, C replaced by T.
Protein change: p.Leu319=; no amino-acid change (leucine 319 retained).
Molecular consequence: synonymous variant.
Genome position (GRCh38, 1-based): chr21:46,346,979, C>T. VCF-style: chr21-46346979-C-T. GRCh37 (hg19) VCF-style: chr21-47766893-C-T.
Other names: c.603C>T, p.Leu201= (NM_001315529.2).
Identifiers: ClinVar variation 4086519 (VCV004086519.2).

ClinVar aggregate classification (germline): Uncertain significance (1 of 4 stars; one submission).

gnomAD v4.1: 5 of 1,595,404 alleles (0.00031%); highest among the groups gnomAD compares: East Asian, 0.011%; no homozygotes.

Submission:

GeneDx
Classification: Uncertain significance. Last evaluated: 2026-08-22. Review status: criteria provided, single submitter. Criteria: GeneDx Variant Classification Process June 2021. Collection method: clinical testing. Allele origin: germline.
Comment: Not observed at significant frequency in large population cohorts (gnomAD); In silico analysis is inconclusive as to whether the variant alters gene splicing. In the absence of RNA/functional studies, the actual effect of this sequence change is unknown.; Has not been previously published as pathogenic or benign to our knowledge